The following is an entry in ClinVar:

NM_004064.5(CDKN1B):c.214G>A (p.Gly72Ser)

Gene: CDKN1B (cyclin dependent kinase inhibitor 1B; plus strand). Cytogenetic location: 12p13.1.
Variant type: single nucleotide variant.
Coding change: c.214G>A on transcript NM_004064.5 (MANE Select); coding-DNA position 214, G replaced by A.
Protein change: p.Gly72Ser; replaces glycine 72 with serine.
Molecular consequence: missense variant.
Genome position (GRCh38, 1-based): chr12:12,718,053, G>A. VCF-style: chr12-12718053-G-A. GRCh37 (hg19) VCF-style: chr12-12870987-G-A.
Other names: short protein forms G72S.
Identifiers: ClinVar variation 536846 (VCV000536846.14), dbSNP rs1231596455, ClinGen allele CA383969545.

ClinVar aggregate classification (germline): Conflicting classifications of pathogenicity. Review status: criteria provided, conflicting classifications (1 of 4 stars). 3 submissions from 3 submitters: Uncertain significance (2); Likely benign (1). Last evaluated 2025-05-19.

Conditions:
Multiple endocrine neoplasia type 4. Also called: MULTIPLE ENDOCRINE NEOPLASIA, TYPE IV. Identifiers: Orphanet 276152, MedGen C1970712, MONDO:0012552, OMIM 610755.
Hereditary cancer-predisposing syndrome. Also called: Neoplastic Syndromes, Hereditary; Tumor predisposition; Hereditary Cancer Syndrome; Hereditary neoplastic syndrome. Identifiers: Orphanet 140162, MedGen C0027672, MeSH D009386, MONDO:0015356.

Allele frequency attached by ClinVar (database versions not stated): TOPMed 0.00001; gnomAD exomes below 0.00001; gnomAD 0.00001.
gnomAD v4.1: 8 of 1,614,128 alleles (0.0005%); highest among the groups gnomAD compares: African/African-American, 0.0027%; no homozygotes.

Submissions (3):

Labcorp Genetics (formerly Invitae), Labcorp
Classification: Uncertain significance for Multiple endocrine neoplasia type 4. Last evaluated: 2025-05-19. Review status: criteria provided, single submitter. Criteria: Invitae Variant Classification Sherloc (09022015). Collection method: clinical testing. Allele origin: germline.
Comment: This sequence change replaces glycine, which is neutral and non-polar, with serine, which is neutral and polar, at codon 72 of the CDKN1B protein (p.Gly72Ser). This variant is present in population databases (no rsID available, gnomAD 0.003%). This variant has not been reported in the literature in individuals affected with CDKN1B-related conditions. ClinVar contains an entry for this variant (Variation ID: 536846). An algorithm developed to predict the effect of missense changes on protein structure and function (PolyPhen-2) suggests that this variant is likely to be disruptive. In summary, the available evidence is currently insufficient to determine the role of this variant in disease. Therefore, it has been classified as a Variant of Uncertain Significance.

Quest Diagnostics Nichols Institute San Juan Capistrano
Classification: Uncertain significance. Last evaluated: 2024-06-10. Review status: criteria provided, single submitter. Criteria: Quest Diagnostics criteria. Collection method: clinical testing. Allele origin: unknown.
Comment: The CDKN1B c.214G>A (p.Gly72Ser) variant has not been reported in individuals with CDKN1B-related conditions in the published literature. The frequency of this variant in the general population, 0.000004 (1/251460 chromosomes (Genome Aggregation Database)), is uninformative in the assessment of its pathogenicity. Analysis of this variant using bioinformatics tools for the prediction of the effect of amino acid changes on protein structure and function yielded conflicting predictions that this variant is benign or damaging. Based on the available information, we are unable to determine the clinical significance of this variant.

Ambry Genetics
Classification: Likely benign for Hereditary cancer-predisposing syndrome. Last evaluated: 2024-01-19. Review status: criteria provided, single submitter. Criteria: Ambry Variant Classification Scheme 2023. Collection method: clinical testing. Allele origin: germline.